The following is an entry in ClinVar:

NM_004646.4(NPHS1):c.1867T>C (p.Cys623Arg)

Gene: NPHS1 (NPHS1 adhesion molecule, nephrin; minus strand). Cytogenetic location: 19q13.12.
Variant type: single nucleotide variant.
Coding change: c.1867T>C on transcript NM_004646.4 (MANE Select); coding-DNA position 1867, T replaced by C.
Protein change: p.Cys623Arg; replaces cysteine 623 with arginine.
Molecular consequence: missense variant.
Genome position (GRCh38, 1-based): chr19:35,845,431, A>G on the plus strand (T>C on the coding strand, the complement: NPHS1 is on the minus strand). VCF-style: chr19-35845431-A-G. GRCh37 (hg19) VCF-style: chr19-36336333-A-G.
Other names: short protein forms C623R.
Identifiers: ClinVar variation 1473484 (VCV001473484.8), dbSNP rs2146823273, ClinGen allele CA405399091.

ClinVar aggregate classification (germline): Likely pathogenic (1 of 4 stars; one submission).

Submission:

Labcorp Genetics (formerly Invitae), Labcorp
Classification: Likely pathogenic. Last evaluated: 2024-01-02. Review status: criteria provided, single submitter. Criteria: Invitae Variant Classification Sherloc (09022015). Collection method: clinical testing. Allele origin: germline.
Comment: This sequence change replaces cysteine, which is neutral and slightly polar, with arginine, which is basic and polar, at codon 623 of the NPHS1 protein (p.Cys623Arg). This variant is not present in population databases (gnomAD no frequency). This variant has not been reported in the literature in individuals affected with NPHS1-related conditions. ClinVar contains an entry for this variant (Variation ID: 1473484). Advanced modeling of protein sequence and biophysical properties (such as structural, functional, and spatial information, amino acid conservation, physicochemical variation, residue mobility, and thermodynamic stability) performed at Invitae indicates that this missense variant is expected to disrupt NPHS1 protein function with a positive predictive value of 80%. This variant disrupts the p.Cys623 amino acid residue in NPHS1. Other variant(s) that disrupt this residue have been determined to be pathogenic (PMID: 18709391, 19812541, 20172850, 24902943). This suggests that this residue is clinically significant, and that variants that disrupt this residue are likely to be disease-causing. In summary, the currently available evidence indicates that the variant is pathogenic, but additional data are needed to prove that conclusively. Therefore, this variant has been classified as Likely Pathogenic.

Literature cited by the submitters: PubMed 18709391; PubMed 19812541; PubMed 20172850; PubMed 24902943.